The following is an entry in ClinVar:

ClinVar aggregate classification (germline): Uncertain significance. Review status: criteria provided, multiple submitters, no conflicts (2 of 4 stars). 4 submissions from 4 submitters: Uncertain significance (4). Last evaluated 2025-12-29.

Conditions:
Familial dysfibrinogenemia. Also called: Dysfibrinogenemia, congenital. Identifiers: Orphanet 335, Orphanet 98881, MedGen C0272350, MONDO:0014452, OMIM 616004.
Congenital afibrinogenemia. Identifiers: Orphanet 335, Orphanet 98880, MedGen C2584774, MONDO:0008737, OMIM 202400.
Familial visceral amyloidosis, Ostertag type (AMYLD2). Also called: AMYLOIDOSIS VIII; Ostertag type amyloidosis; Familial visceral amyloidosis; AMYLOIDOSIS, HEREDITARY SYSTEMIC 2; Amyloidosis, hepatic and systemic; Hereditary Renal Amyloidosis. Identifiers: Orphanet 85450, MedGen C0268389, MONDO:0007099, OMIM 105200.
Inborn genetic diseases. Identifiers: MedGen C0950123, MeSH D030342.

gnomAD v4.1: 51 of 1,613,978 alleles (0.0032%); highest among the groups gnomAD compares: Non-Finnish European, 0.0039%; no homozygotes.

Submissions (4):

Women's Health and Genetics/Laboratory Corporation of America, LabCorp
Classification: Uncertain significance. Last evaluated: 2025-12-29. Review status: criteria provided, single submitter. Criteria: LabCorp Variant Classification Summary - May 2015. Collection method: clinical testing. Allele origin: germline.
Comment: Variant summary: FGA c.873T>G (p.Ser291Arg) results in a non-conservative amino acid change in the encoded protein sequence. Algorithms developed to predict the effect of missense changes on protein structure and function are either unavailable or do not agree on the potential impact of this missense change. The variant allele was found at a frequency of 4e-06 in 251224 control chromosomes. The available data on variant occurrences in the general population are insufficient to allow any conclusion about variant significance. To our knowledge, no occurrence of c.873T>G in individuals affected with FGA-related conditions and no experimental evidence demonstrating its impact on protein function have been reported. ClinVar contains an entry for this variant (Variation ID: 3590333). Based on the evidence outlined above, the variant was classified as uncertain significance.

GeneDx
Classification: Uncertain significance. Last evaluated: 2025-07-14. Review status: criteria provided, single submitter. Criteria: GeneDx Variant Classification Process June 2021. Collection method: clinical testing. Allele origin: germline. Affected: yes.
Comment: Not observed at significant frequency in large population cohorts (gnomAD); In silico analysis suggests that this missense variant does not alter protein structure/function; Has not been previously published as pathogenic or benign to our knowledge

Ambry Genetics
Classification: Uncertain significance for Inborn genetic diseases. Last evaluated: 2025-05-17. Review status: criteria provided, single submitter. Criteria: Ambry Variant Classification Scheme 2023. Collection method: clinical testing. Allele origin: germline.

Fulgent Genetics
Classification: Uncertain significance for Familial visceral amyloidosis, Ostertag type; Congenital afibrinogenemia; Familial dysfibrinogenemia. Last evaluated: 2024-05-17. Review status: criteria provided, single submitter. Criteria: ACMG Guidelines, 2015. Collection method: clinical testing. Allele origin: germline.

NM_021871.4(FGA):c.873T>G (p.Ser291Arg)

Gene: FGA (fibrinogen alpha chain; minus strand). Cytogenetic location: 4q31.3.
Variant type: single nucleotide variant.
Coding change: c.873T>G on transcript NM_021871.4 (MANE Select); coding-DNA position 873, T replaced by G.
Protein change: p.Ser291Arg; replaces serine 291 with arginine.
Molecular consequence: missense variant.
Genome position (GRCh38, 1-based): chr4:154,586,556, A>C on the plus strand (T>G on the coding strand, the complement: FGA is on the minus strand). VCF-style: chr4-154586556-A-C. GRCh37 (hg19) VCF-style: chr4-155507708-A-C.
Other names: c.873T>G, p.Ser291Arg (NM_000508.5); short protein forms S291R.
Identifiers: ClinVar variation 3590333 (VCV003590333.4).
Genomic context (GRCh38, chr4:154,586,556, plus strand): 5'-CCCAGGGTTTCGGTTTCCAGTACTTCCAGGTCCAGAGCTCCCAGAGTTCCAGCTTCCAGC[A>C]CTGCTAGGGTTCCTGGGGCTTTCCGTCTCTGATCCGGTTCCATAAGAGGTGGAGCCTCCT-3'
Protein context (NP_068657.1, residues 281-301): SETESPRNPS[Ser291Arg]AGSWNSGSSG